The following is an entry in ClinVar:

NM_001040108.2(MLH3):c.1912G>A (p.Ala638Thr)

Gene: MLH3 (mutL homolog 3; minus strand). Cytogenetic location: 14q24.3.
Variant type: single nucleotide variant.
Coding change: c.1912G>A on transcript NM_001040108.2 (MANE Select); coding-DNA position 1912, G replaced by A.
Protein change: p.Ala638Thr; replaces alanine 638 with threonine.
Molecular consequence: missense variant.
Genome position (GRCh38, 1-based): chr14:75,047,744, C>T on the plus strand (G>A on the coding strand, the complement: MLH3 is on the minus strand). VCF-style: chr14-75047744-C-T. GRCh37 (hg19) VCF-style: chr14-75514447-C-T.
Other names: c.1912G>A, p.Ala638Thr (NM_014381.3); short protein forms A638T.
Identifiers: ClinVar variation 4108682 (VCV004108682.1).

ClinVar aggregate classification (germline): Uncertain significance (1 of 4 stars; one submission).

Submission:

Ambry Genetics
Classification: Uncertain significance. Last evaluated: 2025-09-01. Review status: criteria provided, single submitter. Criteria: Ambry Variant Classification Scheme 2023. Collection method: clinical testing. Allele origin: germline.
Comment: The p.A638T variant (also known as c.1912G>A), located in coding exon 1 of the MLH3 gene, results from a G to A substitution at nucleotide position 1912. The alanine at codon 638 is replaced by threonine, an amino acid with similar properties. This amino acid position is conserved. In addition, this alteration is predicted to be tolerated by in silico analysis. Based on the available evidence, the clinical significance of this variant remains unclear.